The following is an entry in ClinVar:

NM_001083961.2(WDR62):c.3929A>T (p.Gln1310Leu)

Gene: WDR62 (WD repeat domain 62; plus strand). Cytogenetic location: 19q13.12.
Variant type: single nucleotide variant.
Coding change: c.3929A>T on transcript NM_001083961.2 (MANE Select); coding-DNA position 3929, A replaced by T.
Protein change: p.Gln1310Leu; replaces glutamine 1310 with leucine.
Molecular consequence: missense variant.
Genome position (GRCh38, 1-based): chr19:36,103,757, A>T. VCF-style: chr19-36103757-A-T. GRCh37 (hg19) VCF-style: chr19-36594659-A-T.
Other names: c.3914A>T, p.Gln1305Leu (NM_173636.5); short protein forms Q1310L, Q1305L.
Identifiers: ClinVar variation 93538 (VCV000093538.30), dbSNP rs2074435, ClinGen allele CA147041.

ClinVar aggregate classification (germline): Benign. Review status: criteria provided, multiple submitters, no conflicts (2 of 4 stars). 14 submissions from 14 submitters: Benign (12). 2 of the submissions do not count toward it. Last evaluated 2026-02-03.

Conditions:
Microcephaly 2, primary, autosomal recessive, with or without cortical malformations. Also called: MICROCEPHALY 2, PRIMARY, AUTOSOMAL RECESSIVE, WITH CORTICAL MALFORMATIONS; WDR62 Primary Microcephaly. Identifiers: Orphanet 2512, MedGen C1858535, MONDO:0011435, OMIM 604317.

Allele frequency attached by ClinVar (database versions not stated): 1000 Genomes Project 30x 0.72861; ExAC 0.65363; gnomAD exomes 0.65733; gnomAD 0.67813 and 0.67816; ESP Exome Variant Server 0.66546; TOPMed 0.68720; 1000 Genomes Project 0.72963.
gnomAD v4.1: 1,009,757 of 1,610,952 alleles (63%); highest among the groups gnomAD compares: East Asian, 80%; 319,407 homozygotes.

Submissions (14):

Labcorp Genetics (formerly Invitae), Labcorp
Classification: Benign. Last evaluated: 2026-02-03. Review status: criteria provided, single submitter. Criteria: Invitae Variant Classification Sherloc (09022015). Collection method: clinical testing. Allele origin: germline.

Blueprint Genetics
Classification: Benign. Last evaluated: 2024-11-28. Review status: criteria provided, single submitter. Criteria: ACMG Guidelines, 2015. Collection method: clinical testing. Allele origin: germline.

Genome-Nilou Lab
Classification: Benign for Microcephaly 2, primary, autosomal recessive, with or without cortical malformations. Last evaluated: 2021-12-05. Review status: criteria provided, single submitter. Criteria: ACMG Guidelines, 2015. Collection method: clinical testing. Allele origin: germline. Affected: no.

Mayo Clinic Laboratories, Mayo Clinic
Classification: Benign. Last evaluated: 2018-04-02. Review status: criteria provided, single submitter. Criteria: ACMG Guidelines, 2015. Collection method: clinical testing. Allele origin: germline. Observed: 456 variant alleles.

Illumina Laboratory Services, Illumina
Classification: Benign for Microcephaly 2, primary, autosomal recessive, with or without cortical malformations. Last evaluated: 2018-01-12. Review status: criteria provided, single submitter. Criteria: ICSL Variant Classification Criteria 13 December 2019. Collection method: clinical testing. Allele origin: germline.
Comment: This variant was observed in the ICSL laboratory as part of a predisposition screen in an ostensibly healthy population. It had not been previously curated by ICSL or reported in the Human Gene Mutation Database (HGMD: prior to June 1st, 2018), and was therefore a candidate for classification through an automated scoring system. Utilizing variant allele frequency, disease prevalence and penetrance estimates, and inheritance mode, an automated score was calculated to assess if this variant is too frequent to cause the disease. Based on the score and internal cut-off values, a variant classified as benign is not then subjected to further curation. The score for this variant resulted in a classification of benign for this disease.

Athena Diagnostics
Classification: Benign. Last evaluated: 2017-06-05. Review status: criteria provided, single submitter. Criteria: Athena Diagnostics Criteria. Collection method: clinical testing. Allele origin: germline.

Clinical Genetics DNA and cytogenetics Diagnostics Lab, Erasmus MC, Erasmus Medical Center
Classification: Benign for Microcephaly 2, primary, autosomal recessive, with or without cortical malformations. Last evaluated: 2015-09-21. Review status: criteria provided, single submitter. Criteria: ACGS Guidelines, 2013. Collection method: clinical testing. Allele origin: germline. Affected: yes. Study: VKGL Data-share Consensus.

GeneDx
Classification: Benign. Last evaluated: 2015-03-03. Review status: criteria provided, single submitter. Criteria: GeneDx Variant Classification Process June 2021. Collection method: clinical testing. Allele origin: germline. Affected: yes.

Eurofins Ntd Llc (ga)
Classification: Benign. Last evaluated: 2013-11-12. Review status: criteria provided, single submitter. Criteria: EGL Classification Definitions 2015. Collection method: clinical testing. Allele origin: germline. Observed: 2 variant alleles, 1 heterozygote, 1 homozygote.

Genetic Services Laboratory, University of Chicago
Classification: Benign. Last evaluated: 2013-02-08. Review status: criteria provided, single submitter. Criteria: ACMG Guidelines, 2007. Collection method: clinical testing. Allele origin: germline. Inheritance: Autosomal recessive inheritance.

Breakthrough Genomics
Classification: Benign. Review status: criteria provided, single submitter. Criteria: ACMG Guidelines, 2015. Collection method: not provided. Allele origin: germline. Inheritance: Autosomal recessive inheritance. Affected: yes.

PreventionGenetics, part of Exact Sciences
Classification: Benign. Review status: criteria provided, single submitter. Criteria: ACMG Guidelines, 2015. Collection method: clinical testing. Allele origin: germline.

Diagnostic Laboratory, Department of Genetics, University Medical Center Groningen
Classification: Benign for Microcephaly 2, primary, autosomal recessive, with or without cortical malformations. Review status: no assertion criteria provided. Collection method: clinical testing. Allele origin: germline. Affected: yes. Study: VKGL Data-share Consensus. Not counted in ClinVar's aggregate classification.

Joint Genome Diagnostic Labs from Nijmegen and Maastricht, Radboudumc and MUMC+
Classification: Benign. Review status: no assertion criteria provided. Collection method: clinical testing. Allele origin: germline. Affected: yes. Study: VKGL Data-share Consensus. Not counted in ClinVar's aggregate classification.